The following is an entry in ClinVar:

ClinVar aggregate classification (germline): Uncertain significance (1 of 4 stars; one submission).

Conditions:
Werner syndrome (WRN). Identifiers: Orphanet 902, MedGen C0043119, MONDO:0010196, OMIM 277700.

Submission:

Labcorp Genetics (formerly Invitae), Labcorp
Classification: Uncertain significance for Werner syndrome. Last evaluated: 2022-05-17. Review status: criteria provided, single submitter. Criteria: Invitae Variant Classification Sherloc (09022015). Collection method: clinical testing. Allele origin: germline.
Comment: This sequence change replaces phenylalanine, which is neutral and non-polar, with valine, which is neutral and non-polar, at codon 527 of the WRN protein (p.Phe527Val). This variant is not present in population databases (gnomAD no frequency). This variant has not been reported in the literature in individuals affected with WRN-related conditions. Algorithms developed to predict the effect of missense changes on protein structure and function are either unavailable or do not agree on the potential impact of this missense change (SIFT: "Not Available"; PolyPhen-2: "Benign"; Align-GVGD: "Not Available"). In summary, the available evidence is currently insufficient to determine the role of this variant in disease. Therefore, it has been classified as a Variant of Uncertain Significance.

NM_000553.6(WRN):c.1579T>G (p.Phe527Val)

Gene: WRN (WRN RecQ like helicase; plus strand). Cytogenetic location: 8p12.
Variant type: single nucleotide variant.
Coding change: c.1579T>G on transcript NM_000553.6 (MANE Select); coding-DNA position 1579, T replaced by G.
Protein change: p.Phe527Val; replaces phenylalanine 527 with valine.
Molecular consequence: missense variant.
Genome position (GRCh38, 1-based): chr8:31,088,892, T>G. VCF-style: chr8-31088892-T-G. GRCh37 (hg19) VCF-style: chr8-30946408-T-G.
Other names: short protein forms F527V.
Identifiers: ClinVar variation 1995390 (VCV001995390.4), dbSNP rs2535927012, ClinGen allele CA370925972.